The following is an entry in ClinVar:

NM_000207.3(INS):c.279A>G (p.Glu93=)

Genes: INS (insulin; minus strand), INS-IGF2 (INS-IGF2 readthrough; minus strand). Cytogenetic location: 11p15.5.
Variant type: single nucleotide variant.
Coding change: c.279A>G on transcript NM_000207.3 (MANE Select); coding-DNA position 279, A replaced by G.
Protein change: p.Glu93=; no amino-acid change (glutamic acid 93 retained).
Molecular consequence: synonymous variant. On other transcripts: intron variant (1).
Genome position (GRCh38, 1-based): chr11:2,159,906, T>C on the plus strand (A>G on the coding strand, the complement: INS is on the minus strand). VCF-style: chr11-2159906-T-C. GRCh37 (hg19) VCF-style: chr11-2181136-T-C.
Other names: c.279A>G, p.Glu93= (NM_001185097.2, NM_001185098.2, NM_001291897.2); c.187+879A>G (NM_001042376.3).
Identifiers: ClinVar variation 3031610 (VCV003031610.4), dbSNP rs750063397, ClinGen allele CA5818124.

ClinVar aggregate classification (germline): Likely benign. Review status: criteria provided, single submitter (1 of 4 stars). 2 submissions from 2 submitters: Likely benign (1). 1 of the submissions does not count toward it. Last evaluated 2025-01-29.

Conditions:
INS-related disorder. Also called: INS-related condition.

Allele frequency attached by ClinVar (database versions not stated): gnomAD 0.00001; ExAC 0.00002; TOPMed 0.00003; gnomAD exomes 0.00004.

Submissions (2):

Labcorp Genetics (formerly Invitae), Labcorp
Classification: Likely benign. Last evaluated: 2025-01-29. Review status: criteria provided, single submitter. Criteria: Invitae Variant Classification Sherloc (09022015). Collection method: clinical testing. Allele origin: germline.

PreventionGenetics, part of Exact Sciences
Classification: Likely benign for INS-related condition. Last evaluated: 2020-10-20. Review status: no assertion criteria provided. Collection method: clinical testing. Allele origin: germline. Not counted in ClinVar's aggregate classification.
Comment: This variant is classified as likely benign based on ACMG/AMP sequence variant interpretation guidelines (Richards et al. 2015 PMID: 25741868, with internal and published modifications).